The following is an entry in ClinVar:

NM_000287.4(PEX6):c.1685A>G (p.Asn562Ser)

Gene: PEX6 (peroxisomal biogenesis factor 6; minus strand). Cytogenetic location: 6p21.1.
Variant type: single nucleotide variant.
Coding change: c.1685A>G on transcript NM_000287.4 (MANE Select); coding-DNA position 1685, A replaced by G.
Protein change: p.Asn562Ser; replaces asparagine 562 with serine.
Molecular consequence: missense variant. On other transcripts: non-coding transcript variant (1).
Genome position (GRCh38, 1-based): chr6:42,968,293, T>C on the plus strand (A>G on the coding strand, the complement: PEX6 is on the minus strand). VCF-style: chr6-42968293-T-C. GRCh37 (hg19) VCF-style: chr6-42936031-T-C.
Other names: c.1421A>G, p.Asn474Ser (NM_001316313.2); short protein forms N474S, N562S.
Identifiers: ClinVar variation 1948694 (VCV001948694.5), dbSNP rs1480709980, ClinGen allele CA364154007.

ClinVar aggregate classification (germline): Uncertain significance (1 of 4 stars; one submission).

Conditions:
Peroxisome biogenesis disorder. Identifiers: Orphanet 79189, MedGen C1832200, MONDO:0019234. Disease mechanism: loss of function.

Allele frequency attached by ClinVar (database versions not stated): gnomAD exomes below 0.00001.

Submission:

Labcorp Genetics (formerly Invitae), Labcorp
Classification: Uncertain significance for Peroxisome biogenesis disorder. Last evaluated: 2021-09-29. Review status: criteria provided, single submitter. Criteria: Invitae Variant Classification Sherloc (09022015). Collection method: clinical testing. Allele origin: germline.
Comment: This variant is not present in population databases (ExAC no frequency). In summary, the available evidence is currently insufficient to determine the role of this variant in disease. Therefore, it has been classified as a Variant of Uncertain Significance. Algorithms developed to predict the effect of missense changes on protein structure and function output the following: SIFT: "Tolerated"; PolyPhen-2: "Benign"; Align-GVGD: "Class C0". The serine amino acid residue is found in multiple mammalian species, which suggests that this missense change does not adversely affect protein function. This variant has not been reported in the literature in individuals affected with PEX6-related conditions. This sequence change replaces asparagine with serine at codon 562 of the PEX6 protein (p.Asn562Ser). The asparagine residue is weakly conserved and there is a small physicochemical difference between asparagine and serine.